The following is an entry in ClinVar:

NM_004960.4(FUS):c.806G>A (p.Arg269Gln)

Gene: FUS (FUS RNA binding protein; plus strand). Cytogenetic location: 16p11.2.
Variant type: single nucleotide variant.
Coding change: c.806G>A on transcript NM_004960.4 (MANE Select); coding-DNA position 806, G replaced by A.
Protein change: p.Arg269Gln; replaces arginine 269 with glutamine.
Molecular consequence: missense variant. On other transcripts: non-coding transcript variant (1).
Genome position (GRCh38, 1-based): chr16:31,188,331, G>A. VCF-style: chr16-31188331-G-A. GRCh37 (hg19) VCF-style: chr16-31199652-G-A.
Other names: c.803G>A, p.Arg268Gln (NM_001170634.1); c.794G>A, p.Arg265Gln (NM_001170937.1); short protein forms R265Q, R268Q, R269Q.
Identifiers: ClinVar variation 3758105 (VCV003758105.2).

ClinVar aggregate classification (germline): Uncertain significance (1 of 4 stars; one submission).

Conditions:
Amyotrophic lateral sclerosis type 6. Also called: FUS-Related Amyotrophic Laterial Sclerosis; AMYOTROPHIC LATERAL SCLEROSIS 6 WITHOUT FRONTOTEMPORAL DEMENTIA; Amyotrophic lateral sclerosis 6, with or without frontotemporal dementia. Identifiers: Orphanet 275872, Orphanet 803, MedGen C2931786, MONDO:0011951, OMIM 608030.
Tremor, hereditary essential, 4 (ETM4). Identifiers: MedGen C3539195, MONDO:0013888, OMIM 614782.

gnomAD v4.1: 7 of 1,612,574 alleles (0.00043%); highest among the groups gnomAD compares: Non-Finnish European, 0.00059%; no homozygotes.

Submission:

Labcorp Genetics (formerly Invitae), Labcorp
Classification: Uncertain significance for Tremor, hereditary essential, 4; Amyotrophic lateral sclerosis type 6. Last evaluated: 2024-10-01. Review status: criteria provided, single submitter. Criteria: Invitae Variant Classification Sherloc (09022015). Collection method: clinical testing. Allele origin: germline.
Comment: This sequence change replaces arginine, which is basic and polar, with glutamine, which is neutral and polar, at codon 269 of the FUS protein (p.Arg269Gln). The frequency data for this variant in the population databases is considered unreliable, as metrics indicate poor data quality at this position in the gnomAD database. This variant has not been reported in the literature in individuals affected with FUS-related conditions. An algorithm developed to predict the effect of missense changes on protein structure and function (PolyPhen-2) suggests that this variant is likely to be tolerated. In summary, the available evidence is currently insufficient to determine the role of this variant in disease. Therefore, it has been classified as a Variant of Uncertain Significance.